The following is an entry in ClinVar:

Conditions:
Long QT syndrome 5 (LQT5). Identifiers: Orphanet 101016, Orphanet 768, MedGen C1867904, MONDO:0013372, OMIM 613695.

Submission:

Roden Lab, Vanderbilt University Medical Center
No classification provided (evidence only). Condition: Long QT syndrome 5. Review status: no classification provided. Collection method: in vitro. Allele origin: not applicable. Functional consequence: Effect on ion channel function.
ClinVar note: "not provided" was previously submitted as the classification for the variant. However, the classification appeared to be based only on an observation of functional data so it was converted to no classification on 2025-07-30.

NM_000219.6(KCNE1):c.43A>T (p.Lys15Ter)

Gene: KCNE1 (potassium voltage-gated channel subfamily E regulatory subunit 1; minus strand). Cytogenetic location: 21q22.12.
Variant type: single nucleotide variant.
Coding change: c.43A>T on transcript NM_000219.6 (MANE Select); coding-DNA position 43, A replaced by T.
Protein change: p.Lys15Ter; replaces lysine 15 with a stop codon.
Molecular consequence: nonsense.
Genome position (GRCh38, 1-based): chr21:34,449,592, T>A on the plus strand (A>T on the coding strand, the complement: KCNE1 is on the minus strand). VCF-style: chr21-34449592-T-A. GRCh37 (hg19) VCF-style: chr21-35821890-T-A.
Other names: c.43A>T, p.Lys15Ter (NM_001127668.4, NM_001127669.4, NM_001127670.4 and 4 more transcripts); short protein forms K15*.
Identifiers: ClinVar variation 3373891 (VCV003373891.2).